The following is an entry in ClinVar:

NM_000179.3(MSH6):c.41C>G (p.Ser14Cys)

Gene: MSH6 (mutS homolog 6; plus strand). Cytogenetic location: 2p16.3.
Variant type: single nucleotide variant.
Coding change: c.41C>G on transcript NM_000179.3 (MANE Select); coding-DNA position 41, C replaced by G.
Protein change: p.Ser14Cys; replaces serine 14 with cysteine.
Molecular consequence: missense variant. On other transcripts: 5 prime UTR variant (1).
Genome position (GRCh38, 1-based): chr2:47,783,274, C>G. VCF-style: chr2-47783274-C-G. GRCh37 (hg19) VCF-style: chr2-48010413-C-G.
Other names: c.41C>G, p.Ser14Cys (NM_001281492.2, NM_001406795.1, NM_001406796.1 and 9 more transcripts); c.-696C>G (NM_001281493.2, NM_001406811.1); c.-288C>G (NM_001406799.1); c.-15C>G (NM_001406804.1); c.-888C>G (NM_001406807.1); c.-543C>G (NM_001406812.1); c.-954C>G (NM_001406814.1); c.-499C>G (NM_001406816.1); short protein forms S14C.
Identifiers: ClinVar variation 1738641 (VCV001738641.5), dbSNP rs863224628, ClinGen allele CA346734534.
Genomic context (GRCh38, chr2:47,783,274, plus strand): 5'-GGGCCTTGCCGGCTGTCGGTATGTCGCGACAGAGCACCCTGTACAGCTTCTTCCCCAAGT[C>G]TCCGGCGCTGAGTGATGCCAACAAGGCCTCGGCCAGGGCCTCACGCGAAGGCGGCCGTGC-3'
Protein context (NP_000170.1, residues 4-24): QSTLYSFFPK[Ser14Cys]PALSDANKAS

ClinVar aggregate classification (germline): Uncertain significance. Review status: criteria provided, multiple submitters, no conflicts (2 of 4 stars). 2 submissions from 2 submitters: Uncertain significance (2). Last evaluated 2025-01-05.

Conditions:
Hereditary cancer-predisposing syndrome. Also called: Hereditary Cancer Syndrome; Hereditary neoplastic syndrome; Neoplastic Syndromes, Hereditary; Tumor predisposition. Identifiers: Orphanet 140162, MedGen C0027672, MeSH D009386, MONDO:0015356.

gnomAD v4.1: 1 of 1,612,246 alleles (0.000062%); highest among the groups gnomAD compares: Non-Finnish European, 0.000085%; no homozygotes.

Submissions (2):

Women's Health and Genetics/Laboratory Corporation of America, LabCorp
Classification: Uncertain significance. Last evaluated: 2025-01-05. Review status: criteria provided, single submitter. Criteria: LabCorp Variant Classification Summary - May 2015. Collection method: clinical testing. Allele origin: germline.

Ambry Genetics
Classification: Uncertain significance for Hereditary cancer-predisposing syndrome. Last evaluated: 2024-09-04. Review status: criteria provided, single submitter. Criteria: Ambry Variant Classification Scheme 2023. Collection method: clinical testing. Allele origin: germline.
Comment: The p.S14C variant (also known as c.41C>G), located in coding exon 1 of the MSH6 gene, results from a C to G substitution at nucleotide position 41. The serine at codon 14 is replaced by cysteine, an amino acid with dissimilar properties. This amino acid position is well conserved in available vertebrate species. In addition, the in silico prediction for this alteration is inconclusive. Based on the available evidence, the clinical significance of this variant remains unclear.